The following is an entry in ClinVar:

NM_025081.3(NYNRIN):c.1877A>G (p.Gln626Arg)

Gene: NYNRIN (NYN domain and retroviral integrase containing; plus strand). Cytogenetic location: 14q12.
Variant type: single nucleotide variant.
Coding change: c.1877A>G on transcript NM_025081.3 (MANE Select); coding-DNA position 1877, A replaced by G.
Protein change: p.Gln626Arg; replaces glutamine 626 with arginine.
Molecular consequence: missense variant.
Genome position (GRCh38, 1-based): chr14:24,409,671, A>G. VCF-style: chr14-24409671-A-G. GRCh37 (hg19) VCF-style: chr14-24878877-A-G.
Other names: short protein forms Q626R.
Identifiers: ClinVar variation 3923307 (VCV003923307.2).
Genomic context (GRCh38, chr14:24,409,671, plus strand): 5'-CAGTTGTGAATCAACCAGTGTTGGTAGCTCAAGTGGAACCCACAACTCCAAAAACTCCCC[A>G]GGCTCAGAAGATGCCTGTAGCAAAAACATCACCTGCAGGTCCCAAAACACCCAAAGCTCA-3'
Protein context (NP_079357.2, residues 616-636): QVEPTTPKTP[Gln626Arg]AQKMPVAKTS

ClinVar aggregate classification (germline): Uncertain significance. Review status: criteria provided, multiple submitters, no conflicts (2 of 4 stars). 2 submissions from 2 submitters: Uncertain significance (2). Last evaluated 2025-11-21.

gnomAD v4.1: 12 of 1,607,092 alleles (0.00075%); highest among the groups gnomAD compares: Admixed American, 0.0085%; no homozygotes.

Submissions (2):

Labcorp Genetics (formerly Invitae), Labcorp
Classification: Uncertain significance. Last evaluated: 2025-11-21. Review status: criteria provided, single submitter. Criteria: Invitae Variant Classification Sherloc (09022015). Collection method: clinical testing. Allele origin: germline.
Comment: This sequence change replaces glutamine, which is neutral and polar, with arginine, which is basic and polar, at codon 626 of the NYNRIN protein (p.Gln626Arg). The frequency data for this variant in the population databases is considered unreliable, as metrics indicate poor data quality at this position in the gnomAD database. This variant has not been reported in the literature in individuals affected with NYNRIN-related conditions. ClinVar contains an entry for this variant (Variation ID: 3923307). Experimental studies and prediction algorithms are not available or were not evaluated, and the functional significance of this variant is currently unknown. In summary, the available evidence is currently insufficient to determine the role of this variant in disease. Therefore, it has been classified as a Variant of Uncertain Significance.

Ambry Genetics
Classification: Uncertain significance. Last evaluated: 2025-05-26. Review status: criteria provided, single submitter. Criteria: Ambry Variant Classification Scheme 2023. Collection method: clinical testing. Allele origin: germline.